The following is an entry in ClinVar:

NM_033109.5(PNPT1):c.892G>C (p.Val298Leu)

Gene: PNPT1 (polyribonucleotide nucleotidyltransferase 1; minus strand). Cytogenetic location: 2p16.1.
Variant type: single nucleotide variant.
Coding change: c.892G>C on transcript NM_033109.5 (MANE Select); coding-DNA position 892, G replaced by C.
Protein change: p.Val298Leu; replaces valine 298 with leucine.
Molecular consequence: missense variant.
Genome position (GRCh38, 1-based): chr2:55,672,021, C>G on the plus strand (G>C on the coding strand, the complement: PNPT1 is on the minus strand). VCF-style: chr2-55672021-C-G. GRCh37 (hg19) VCF-style: chr2-55899156-C-G.
Other names: c.892G>C (NM_033109.4); short protein forms V298L.
Identifiers: ClinVar variation 1952444 (VCV001952444.3), dbSNP rs534505993, ClinGen allele CA1668310.
Genomic context (GRCh38, chr2:55,672,021, plus strand): 5'-GCAATTATGGAAGACAAAACTCAGGTATACCTACTTTGTCATGCTCGTAATCTGTAAAAA[C>G]TGCATAGAGTCTCTCCATAGCAAGTCTATTTAAGCAGAAAATAAATGTTAGCATAATAAT-3'
Protein context (NP_149100.2, residues 288-308): HKLAMERLYA[Val298Leu]FTDYEHDKVS

ClinVar aggregate classification (germline): Uncertain significance. Review status: criteria provided, multiple submitters, no conflicts (2 of 4 stars). 2 submissions from 2 submitters: Uncertain significance (2). Last evaluated 2022-12-27.

Allele frequency attached by ClinVar (database versions not stated): gnomAD 0.00001; ExAC 0.00002; TOPMed 0.00002; 1000 Genomes Project 30x 0.00016; 1000 Genomes Project 0.00020.
gnomAD v4.1: 3 of 1,603,124 alleles (0.00019%); highest among the groups gnomAD compares: African/African-American, 0.0027%; no homozygotes.

Submissions (2):

GeneDx
Classification: Uncertain significance. Last evaluated: 2022-12-27. Review status: criteria provided, single submitter. Criteria: GeneDx Variant Classification Process June 2021. Collection method: clinical testing. Allele origin: germline. Affected: yes.
Comment: Not observed at significant frequency in large population cohorts (gnomAD); In silico analysis supports that this missense variant does not alter protein structure/function; Has not been previously published as pathogenic or benign to our knowledge

Labcorp Genetics (formerly Invitae), Labcorp
Classification: Uncertain significance. Last evaluated: 2021-12-31. Review status: criteria provided, single submitter. Criteria: Invitae Variant Classification Sherloc (09022015). Collection method: clinical testing. Allele origin: germline.
Comment: This sequence change replaces valine, which is neutral and non-polar, with leucine, which is neutral and non-polar, at codon 298 of the PNPT1 protein (p.Val298Leu). This variant is present in population databases (rs534505993, gnomAD 0.007%). This variant has not been reported in the literature in individuals affected with PNPT1-related conditions. Algorithms developed to predict the effect of missense changes on protein structure and function are either unavailable or do not agree on the potential impact of this missense change (SIFT: "Deleterious"; PolyPhen-2: "Benign"; Align-GVGD: "Class C0"). In summary, the available evidence is currently insufficient to determine the role of this variant in disease. Therefore, it has been classified as a Variant of Uncertain Significance.